The following is an entry in ClinVar:

ClinVar aggregate classification (germline): Likely benign (1 of 4 stars; one submission).

Allele frequency attached by ClinVar (database versions not stated): ExAC 0.00002; gnomAD 0.00003; TOPMed 0.00003; 1000 Genomes Project 30x 0.00016; 1000 Genomes Project 0.00020.
gnomAD v4.1: 18 of 1,528,328 alleles (0.0012%); highest among the groups gnomAD compares: Middle Eastern, 0.034%; no homozygotes.

Submission:

CeGaT Center for Human Genetics Tuebingen
Classification: Likely benign. Last evaluated: 2022-09-01. Review status: criteria provided, single submitter. Criteria: CeGaT Center For Human Genetics Tuebingen Variant Classification Criteria Version 2. Collection method: clinical testing. Allele origin: germline. Affected: yes. Observed: 1 variant allele.
Comment: CNTRL: BP4, BP7

NM_007018.6(CNTRL):c.1455G>A (p.Lys485=)

Gene: CNTRL (centriolin; plus strand). Cytogenetic location: 9q33.2.
Variant type: single nucleotide variant.
Coding change: c.1455G>A on transcript NM_007018.6 (MANE Select); coding-DNA position 1455, G replaced by A.
Protein change: p.Lys485=; no amino-acid change (lysine 485 retained).
Molecular consequence: synonymous variant.
Genome position (GRCh38, 1-based): chr9:121,115,200, G>A. VCF-style: chr9-121115200-G-A. GRCh37 (hg19) VCF-style: chr9-123877478-G-A.
Other names: c.1455G>A, p.Lys485= (NM_001369893.1); c.1512G>A, p.Lys504= (NM_001369894.1); c.954G>A, p.Lys318= (NM_001369895.1).
Identifiers: ClinVar variation 2659473 (VCV002659473.24), dbSNP rs200058562, ClinGen allele CA5218886.